The following is an entry in ClinVar:

ClinVar aggregate classification (germline): Uncertain significance (1 of 4 stars; one submission).

Submission:

Dasa
Classification: Uncertain significance. Last evaluated: 2025-03-03. Review status: criteria provided, single submitter. Criteria: DASA Assertion Criteria. Collection method: clinical testing. Allele origin: germline.
Comment: NM_198904.4(GABRG2):c.848G>C (p.Cys283Ser) is a missense variant that results in the substitution of cysteine with serine. This variant is absent from population databases. Computational prediction algorithms are consistent with a deleterious effect. The currently available literature and clinical evidence are not sufficient to establish a definitive association between this variant and the reported condition. Therefore, this variant is classified as a variant of uncertain significance.

NM_198904.4(GABRG2):c.848G>C (p.Cys283Ser)

Gene: GABRG2 (gamma-aminobutyric acid type A receptor subunit gamma2; plus strand). Cytogenetic location: 5q34.
Variant type: single nucleotide variant.
Coding change: c.848G>C on transcript NM_198904.4 (MANE Select); coding-DNA position 848, G replaced by C.
Protein change: p.Cys283Ser; replaces cysteine 283 with serine.
Molecular consequence: missense variant.
Genome position (GRCh38, 1-based): chr5:162,142,242, G>C. VCF-style: chr5-162142242-G-C. GRCh37 (hg19) VCF-style: chr5-161569248-G-C.
Other names: c.848G>C, p.Cys283Ser (NM_000816.3, NM_001375340.1); c.839G>C, p.Cys280Ser (NM_001375339.1); c.845G>C, p.Cys282Ser (NM_001375341.1, NM_001375342.1); c.968G>C, p.Cys323Ser (NM_001375343.1, NM_198903.2); c.887G>C, p.Cys296Ser (NM_001375344.1); c.782G>C, p.Cys261Ser (NM_001375345.1, NM_001375346.1); c.761G>C, p.Cys254Ser (NM_001375347.1); c.428G>C, p.Cys143Ser (NM_001375348.1, NM_001375350.1); and 1 more; short protein forms C143S, C188S, C254S, C261S, C280S, C282S, C283S, C296S.
Identifiers: ClinVar variation 5020988 (VCV005020988.1).